The following is an entry in ClinVar:

NM_020937.4(FANCM):c.6081C>G (p.His2027Gln)

Gene: FANCM (FA complementation group M; plus strand). Cytogenetic location: 14q21.2.
Variant type: single nucleotide variant.
Coding change: c.6081C>G on transcript NM_020937.4 (MANE Select); coding-DNA position 6081, C replaced by G.
Protein change: p.His2027Gln; replaces histidine 2027 with glutamine.
Molecular consequence: missense variant.
Genome position (GRCh38, 1-based): chr14:45,199,942, C>G. VCF-style: chr14-45199942-C-G. GRCh37 (hg19) VCF-style: chr14-45669145-C-G.
Other names: c.6003C>G, p.His2001Gln (NM_001308133.2); short protein forms H2001Q, H2027Q.
Identifiers: ClinVar variation 2446241 (VCV002446241.1), dbSNP rs752980787, ClinGen allele CA7170127.

ClinVar aggregate classification (germline): Uncertain significance (1 of 4 stars; one submission).

Allele frequency attached by ClinVar (database versions not stated): gnomAD exomes below 0.00001; ExAC 0.00001.
gnomAD v4.1: 2 of 1,599,524 alleles (0.00013%); highest among the groups gnomAD compares: South Asian, 0.0022%; no homozygotes.

Submission:

GeneDx
Classification: Uncertain significance. Last evaluated: 2022-09-22. Review status: criteria provided, single submitter. Criteria: GeneDx Variant Classification Process June 2021. Collection method: clinical testing. Allele origin: germline. Affected: yes.
Comment: Not observed at significant frequency in large population cohorts (gnomAD); In silico analysis supports that this missense variant has a deleterious effect on protein structure/function; Has not been previously published as pathogenic or benign to our knowledge; In silico analysis suggests this variant may impact gene splicing. In the absence of RNA/functional studies, the actual effect of this sequence change is unknown.